The following is an entry in ClinVar:

ClinVar aggregate classification (germline): Uncertain significance (1 of 4 stars; one submission).

Conditions:
Sulfite oxidase deficiency due to molybdenum cofactor deficiency type C. Also called: Molybdenum cofactor deficiency, complementation group C; Molybdenum cofactor deficiency C. Identifiers: Orphanet 308400, Orphanet 833, MedGen C1854990, MONDO:0014212, OMIM 615501.

Allele frequency attached by ClinVar (database versions not stated): gnomAD exomes below 0.00001.

Submission:

Labcorp Genetics (formerly Invitae), Labcorp
Classification: Uncertain significance for Sulfite oxidase deficiency due to molybdenum cofactor deficiency type C. Last evaluated: 2023-03-27. Review status: criteria provided, single submitter. Criteria: Invitae Variant Classification Sherloc (09022015). Collection method: clinical testing. Allele origin: germline.
Comment: In summary, the available evidence is currently insufficient to determine the role of this variant in disease. Therefore, it has been classified as a Variant of Uncertain Significance. Advanced modeling of protein sequence and biophysical properties (such as structural, functional, and spatial information, amino acid conservation, physicochemical variation, residue mobility, and thermodynamic stability) performed at Invitae indicates that this missense variant is not expected to disrupt GPHN protein function. This variant has not been reported in the literature in individuals affected with GPHN-related conditions. This variant is present in population databases (no rsID available, gnomAD 0.003%). This sequence change replaces methionine, which is neutral and non-polar, with threonine, which is neutral and polar, at codon 127 of the GPHN protein (p.Met127Thr).

NM_020806.5(GPHN):c.380T>C (p.Met127Thr)

Gene: GPHN (gephyrin; plus strand). Cytogenetic location: 14q23.3.
Variant type: single nucleotide variant.
Coding change: c.380T>C on transcript NM_020806.5 (MANE Select); coding-DNA position 380, T replaced by C.
Protein change: p.Met127Thr; replaces methionine 127 with threonine.
Molecular consequence: missense variant.
Genome position (GRCh38, 1-based): chr14:66,880,024, T>C. VCF-style: chr14-66880024-T-C. GRCh37 (hg19) VCF-style: chr14-67346742-T-C.
Other names: c.380T>C, p.Met127Thr (NM_001024218.2, NM_001377515.1, NM_001377516.1 and 2 more transcripts); c.419T>C, p.Met140Thr (NM_001377514.1, NM_001377519.1); short protein forms M127T, M140T.
Identifiers: ClinVar variation 2886633 (VCV002886633.3), dbSNP rs1233139559, ClinGen allele CA390257002.